The following is an entry in ClinVar:

ClinVar aggregate classification (germline): Pathogenic (1 of 4 stars; one submission).

Submission:

Labcorp Genetics (formerly Invitae), Labcorp
Classification: Pathogenic. Last evaluated: 2023-03-02. Review status: criteria provided, single submitter. Criteria: Invitae Variant Classification Sherloc (09022015). Collection method: clinical testing. Allele origin: germline.
Comment: For these reasons, this variant has been classified as Pathogenic. This variant has not been reported in the literature in individuals affected with HPS3-related conditions. This variant is not present in population databases (gnomAD no frequency). This sequence change creates a premature translational stop signal (p.Glu458*) in the HPS3 gene. It is expected to result in an absent or disrupted protein product. Loss-of-function variants in HPS3 are known to be pathogenic (PMID: 11590544).

Literature cited by the submitters: PubMed 11590544.

NM_032383.5(HPS3):c.1372G>T (p.Glu458Ter)

Gene: HPS3 (HPS3 biogenesis of lysosomal organelles complex 2 subunit 1; plus strand). Cytogenetic location: 3q24.
Variant type: single nucleotide variant.
Coding change: c.1372G>T on transcript NM_032383.5 (MANE Select); coding-DNA position 1372, G replaced by T.
Protein change: p.Glu458Ter; replaces glutamic acid 458 with a stop codon.
Molecular consequence: nonsense.
Genome position (GRCh38, 1-based): chr3:149,153,620, G>T. VCF-style: chr3-149153620-G-T. GRCh37 (hg19) VCF-style: chr3-148871407-G-T.
Other names: c.877G>T, p.Glu293Ter (NM_001308258.2); short protein forms E293*, E458*.
Identifiers: ClinVar variation 2842117 (VCV002842117.3), dbSNP rs2473099711, ClinGen allele CA354919289.